The following is an entry in ClinVar:

NM_001330260.2(SCN8A):c.2648C>T (p.Ala883Val)

Gene: SCN8A (sodium voltage-gated channel alpha subunit 8; plus strand). Cytogenetic location: 12q13.13.
Variant type: single nucleotide variant.
Coding change: c.2648C>T on transcript NM_001330260.2 (MANE Select); coding-DNA position 2648, C replaced by T.
Protein change: p.Ala883Val; replaces alanine 883 with valine.
Molecular consequence: missense variant.
Genome position (GRCh38, 1-based): chr12:51,765,774, C>T. VCF-style: chr12-51765774-C-T. GRCh37 (hg19) VCF-style: chr12-52159558-C-T.
Other names: c.2648C>T, p.Ala883Val (NM_001177984.3, NM_001369788.1, NM_014191.4); short protein forms A883V.
Identifiers: ClinVar variation 4076869 (VCV004076869.1).

ClinVar aggregate classification (germline): Uncertain significance (1 of 4 stars; one submission).

Submission:

GeneDx
Classification: Uncertain significance. Last evaluated: 2025-02-20. Review status: criteria provided, single submitter. Criteria: GeneDx Variant Classification Process June 2021. Collection method: clinical testing. Allele origin: germline. Affected: yes.
Comment: Not observed at significant frequency in large population cohorts (gnomAD); In silico analysis supports that this missense variant has a deleterious effect on protein structure/function; Has not been previously published as pathogenic or benign to our knowledge; This substitution is predicted to be within the transmembrane segment S5 of the second homologous domain